The following is an entry in ClinVar:

NM_001271.4(CHD2):c.3536A>G (p.Asn1179Ser)

Gene: CHD2 (chromodomain helicase DNA binding protein 2; plus strand). Cytogenetic location: 15q26.1.
Variant type: single nucleotide variant.
Coding change: c.3536A>G on transcript NM_001271.4 (MANE Select); coding-DNA position 3536, A replaced by G.
Protein change: p.Asn1179Ser; replaces asparagine 1179 with serine.
Molecular consequence: missense variant.
Genome position (GRCh38, 1-based): chr15:92,992,939, A>G. VCF-style: chr15-92992939-A-G. GRCh37 (hg19) VCF-style: chr15-93536169-A-G.
Other names: short protein forms N1179S.
Identifiers: ClinVar variation 1052869 (VCV001052869.9), dbSNP rs561920953, ClinGen allele CA274866671.
Genomic context (GRCh38, chr15:92,992,939, plus strand): 5'-ATGCTGAGCTGGTAGATAAGTCGGTGGCAGATCTGAAGCGCCTGGGTGAACTGATCCACA[A>G]CAGCTGTGTGTCAGCAATGCAGGAATACGAAGAGCAGCTGAAAGAAAATGCCAGCGAGGG-3'
Protein context (NP_001262.3, residues 1169-1189): DLKRLGELIH[Asn1179Ser]SCVSAMQEYE

ClinVar aggregate classification (germline): Uncertain significance (1 of 4 stars; one submission).

Conditions:
Developmental and epileptic encephalopathy 94 (DEE94). Also called: CHD2-Related Neurodevelopmental Disorders; Epileptic encephalopathy, childhood-onset. Identifiers: Orphanet 1942, Orphanet 2382, MedGen C3809278, MONDO:0014150, OMIM 615369.

Allele frequency attached by ClinVar (database versions not stated): TOPMed below 0.00001; gnomAD 0.00001; gnomAD exomes 0.00001.
gnomAD v4.1: 5 of 1,614,058 alleles (0.00031%); highest among the groups gnomAD compares: East Asian, 0.0022%; no homozygotes.

Submission:

Labcorp Genetics (formerly Invitae), Labcorp
Classification: Uncertain significance for Developmental and epileptic encephalopathy 94. Last evaluated: 2024-07-31. Review status: criteria provided, single submitter. Criteria: Invitae Variant Classification Sherloc (09022015). Collection method: clinical testing. Allele origin: germline.
Comment: This sequence change replaces asparagine, which is neutral and polar, with serine, which is neutral and polar, at codon 1179 of the CHD2 protein (p.Asn1179Ser). This variant is not present in population databases (gnomAD no frequency). This variant has not been reported in the literature in individuals affected with CHD2-related conditions. ClinVar contains an entry for this variant (Variation ID: 1052869). Advanced modeling of protein sequence and biophysical properties (such as structural, functional, and spatial information, amino acid conservation, physicochemical variation, residue mobility, and thermodynamic stability) performed at Invitae indicates that this missense variant is not expected to disrupt CHD2 protein function with a negative predictive value of 95%. In summary, the available evidence is currently insufficient to determine the role of this variant in disease. Therefore, it has been classified as a Variant of Uncertain Significance.